The following is an entry in ClinVar:

ClinVar aggregate classification (germline): Benign/Likely benign. Review status: criteria provided, multiple submitters, no conflicts (2 of 4 stars). 4 submissions from 4 submitters: Benign (1); Likely benign (2). 1 of the submissions does not count toward it. Last evaluated 2025-07-13.

Conditions:
Cardiovascular phenotype. Identifiers: MedGen CN230736.
Aortic valve disease 2 (AOVD2). Identifiers: MedGen C3542024, MONDO:0013902, OMIM 614823.
TBX5-related disorder. Also called: TBX5-related condition.

Allele frequency attached by ClinVar (database versions not stated): gnomAD exomes 0.00004 and 0.00011; ExAC 0.00011; 1000 Genomes Project 30x 0.00016; 1000 Genomes Project 0.00020; ESP Exome Variant Server 0.00031; gnomAD 0.00046 and 0.00051; TOPMed 0.00058.
gnomAD v4.1: 135 of 1,614,110 alleles (0.0084%); highest among the groups gnomAD compares: African/African-American, 0.17%; no homozygotes.

Submissions (4):

Labcorp Genetics (formerly Invitae), Labcorp
Classification: Benign for Aortic valve disease 2. Last evaluated: 2025-07-13. Review status: criteria provided, single submitter. Criteria: Invitae Variant Classification Sherloc (09022015). Collection method: clinical testing. Allele origin: germline.

Ambry Genetics
Classification: Likely benign for Cardiovascular phenotype. Last evaluated: 2019-09-20. Review status: criteria provided, single submitter. Criteria: Ambry Variant Classification Scheme 2023. Collection method: clinical testing. Allele origin: germline.

Blueprint Genetics
Classification: Likely benign. Last evaluated: 2019-01-18. Review status: criteria provided, single submitter. Criteria: ACMG Guidelines, 2015. Collection method: clinical testing. Allele origin: germline.

PreventionGenetics, part of Exact Sciences
Classification: Likely benign for TBX5-related condition. Last evaluated: 2019-03-27. Review status: no assertion criteria provided. Collection method: clinical testing. Allele origin: germline. Not counted in ClinVar's aggregate classification.
Comment: This variant is classified as likely benign based on ACMG/AMP sequence variant interpretation guidelines (Richards et al. 2015 PMID: 25741868, with internal and published modifications).

NM_181486.4(TBX5):c.747A>G (p.Arg249=)

Gene: TBX5 (T-box transcription factor 5; minus strand). Cytogenetic location: 12q24.21.
Variant type: single nucleotide variant.
Coding change: c.747A>G on transcript NM_181486.4 (MANE Select); coding-DNA position 747, A replaced by G.
Protein change: p.Arg249=; no amino-acid change (arginine 249 retained).
Molecular consequence: synonymous variant.
Genome position (GRCh38, 1-based): chr12:114,385,484, T>C on the plus strand (A>G on the coding strand, the complement: TBX5 is on the minus strand). VCF-style: chr12-114385484-T-C. GRCh37 (hg19) VCF-style: chr12-114823289-T-C.
Other names: c.747A>G, p.Arg249= (NM_000192.3); c.597A>G, p.Arg199= (NM_080717.4).
Identifiers: ClinVar variation 1650488 (VCV001650488.13), dbSNP rs138552878, ClinGen allele CA6809520.